The following is an entry in ClinVar:

NM_005465.7(AKT3):c.*5462G>A

Genes: AKT3 (AKT serine/threonine kinase 3; minus strand), SDCCAG8 (SHH signaling and ciliogenesis regulator SDCCAG8; plus strand). Cytogenetic location: 1q43.
Variant type: single nucleotide variant.
Coding change: c.*5462G>A on transcript NM_005465.7 (MANE Select); 5462 bases downstream of the stop codon, G replaced by A.
Molecular consequence: 3 prime UTR variant. On other transcripts: splice acceptor variant (2).
Genome position (GRCh38, 1-based): chr1:243,499,787, C>T on the plus strand (G>A on the coding strand, the complement: AKT3 is on the minus strand). VCF-style: chr1-243499787-C-T. GRCh37 (hg19) VCF-style: chr1-243663089-C-T.
Other names: NC_000001.10:g.243663089C>T; c.*5462G>A (NM_001370074.1); c.*2C>T (NM_001350246.2, NM_001350247.2, NM_001350248.2 and 3 more transcripts); c.1355-1G>A (NM_181690.2, NM_001206729.2).
Identifiers: ClinVar variation 2640214 (VCV002640214.27), dbSNP rs376082705, ClinGen allele CA1483875.

ClinVar aggregate classification (germline): Conflicting classifications of pathogenicity. Review status: criteria provided, conflicting classifications (1 of 4 stars). 2 submissions from 2 submitters: Uncertain significance (1); Likely benign (1). Last evaluated 2026-05-01.

Allele frequency attached by ClinVar (database versions not stated): TOPMed 0.00006; ESP Exome Variant Server 0.00008; gnomAD 0.00008; gnomAD exomes 0.00009; ExAC 0.00011.
gnomAD v4.1: 149 of 1,612,440 alleles (0.0092%); highest among the groups gnomAD compares: Non-Finnish European, 0.0087%; no homozygotes.

Submissions (5):

CeGaT Center for Human Genetics Tuebingen
Classification: Likely benign. Last evaluated: 2026-05-01. Review status: criteria provided, single submitter. Criteria: CeGaT Center For Human Genetics Tuebingen Variant Classification Criteria Version 2. Collection method: clinical testing. Allele origin: germline. Affected: yes. Observed: 4 variant alleles.
Comment: AKT3: BS2

Women's Health and Genetics/Laboratory Corporation of America, LabCorp
Classification: Uncertain significance. Last evaluated: 2024-10-14. Review status: criteria provided, single submitter. Criteria: LabCorp Variant Classification Summary - May 2015. Collection method: clinical testing. Allele origin: germline.
Comment: Variant summary: SDCCAG8 c.*2C>T is located in the untranslated mRNA region downstream of the termination codon. The variant allele was found at a frequency of 8.4e-05 in 250886 control chromosomes. This frequency is not significantly higher than estimated for a pathogenic variant in SDCCAG8 causing Bardet-Biedl Syndrome (8.4e-05 vs 0.00062), allowing no conclusion about variant significance. To our knowledge, no occurrence of c.*2C>T in individuals affected with Bardet-Biedl Syndrome and no experimental evidence demonstrating its impact on protein function have been reported. ClinVar contains an entry for this variant (Variation ID: 2640214). Based on the evidence outlined above, the variant was classified as uncertain significance.

Dr. Peter K. Rogan Lab, Western University
No classification provided (evidence only). Condition: Familial cancer of breast. Review status: no classification provided. Collection method: in vitro. Allele origin: not applicable. Functional consequence: retained intron. Not counted in ClinVar's aggregate classification.

Dr. Peter K. Rogan Lab, Western University
No classification provided (evidence only). Condition: Hepatocellular carcinoma. Review status: no classification provided. Collection method: in vitro. Allele origin: not applicable. Functional consequence: retained intron. Not counted in ClinVar's aggregate classification.

Dr. Peter K. Rogan Lab, Western University
No classification provided (evidence only). Condition: Malignant tumor of esophagus. Review status: no classification provided. Collection method: in vitro. Allele origin: not applicable. Functional consequence: retained intron. Not counted in ClinVar's aggregate classification.